The following is an entry in ClinVar:

ClinVar aggregate classification (germline): Uncertain significance (1 of 4 stars; one submission).

Allele frequency attached by ClinVar (database versions not stated): ESP Exome Variant Server 0.00008.
gnomAD v4.1: 23 of 1,613,012 alleles (0.0014%); highest among the groups gnomAD compares: African/African-American, 0.012%; no homozygotes.

Submission:

Labcorp Genetics (formerly Invitae), Labcorp
Classification: Uncertain significance. Last evaluated: 2023-11-28. Review status: criteria provided, single submitter. Criteria: Invitae Variant Classification Sherloc (09022015). Collection method: clinical testing. Allele origin: germline.
Comment: This sequence change replaces arginine, which is basic and polar, with cysteine, which is neutral and slightly polar, at codon 1011 of the TUBGCP6 protein (p.Arg1011Cys). This variant is present in population databases (rs144536385, gnomAD 0.01%). This variant has not been reported in the literature in individuals affected with TUBGCP6-related conditions. ClinVar contains an entry for this variant (Variation ID: 1507685). Algorithms developed to predict the effect of missense changes on protein structure and function output the following: SIFT: "Not Available"; PolyPhen-2: "Possibly Damaging"; Align-GVGD: "Not Available". The cysteine amino acid residue is found in multiple mammalian species, which suggests that this missense change does not adversely affect protein function. In summary, the available evidence is currently insufficient to determine the role of this variant in disease. Therefore, it has been classified as a Variant of Uncertain Significance.

NM_020461.4(TUBGCP6):c.3031C>T (p.Arg1011Cys)

Gene: TUBGCP6 (tubulin gamma complex component 6; minus strand). Cytogenetic location: 22q13.33.
Variant type: single nucleotide variant.
Coding change: c.3031C>T on transcript NM_020461.4 (MANE Select); coding-DNA position 3031, C replaced by T.
Protein change: p.Arg1011Cys; replaces arginine 1011 with cysteine.
Molecular consequence: missense variant.
Genome position (GRCh38, 1-based): chr22:50,221,328, G>A on the plus strand (C>T on the coding strand, the complement: TUBGCP6 is on the minus strand). VCF-style: chr22-50221328-G-A. GRCh37 (hg19) VCF-style: chr22-50659757-G-A.
Other names: short protein forms R1011C.
Identifiers: ClinVar variation 1507685 (VCV001507685.4), dbSNP rs144536385, ClinGen allele CA10308067.